The following is an entry in ClinVar:

ClinVar aggregate classification (germline): Conflicting classifications of pathogenicity. Review status: criteria provided, conflicting classifications (1 of 4 stars). 3 submissions from 3 submitters: Uncertain significance (2); Likely benign (1). Last evaluated 2024-09-14.

Conditions:
Von Hippel-Lindau syndrome (VHLS). Also called: Von Hippel-Lindau; von Hippel–Lindau syndrome; VHL syndrome. Identifiers: Orphanet 892, MedGen C0019562, MONDO:0008667, OMIM 193300. Disease mechanism: loss of function.
Chuvash polycythemia. Also called: POLYCYTHEMIA, VHL-DEPENDENT. Identifiers: Orphanet 238557, MedGen C1837915, MONDO:0009892, OMIM 263400.
Pheochromocytoma. Also called: MAX-Related Hereditary Paraganglioma-Pheochromocytoma Syndrome. Identifiers: Orphanet 29072, MedGen C0031511, MONDO:0008233, OMIM 171300, HP:0002666.
Nonpapillary renal cell carcinoma. Identifiers: Orphanet 422526, MedGen CN074294, MONDO:0007763, OMIM 144700.
Hereditary cancer-predisposing syndrome. Also called: Neoplastic Syndromes, Hereditary; Tumor predisposition; Hereditary neoplastic syndrome; Hereditary Cancer Syndrome. Identifiers: Orphanet 140162, MedGen C0027672, MeSH D009386, MONDO:0015356.

Submissions (3):

Ambry Genetics
Classification: Likely benign for Hereditary cancer-predisposing syndrome. Last evaluated: 2024-09-14. Review status: criteria provided, single submitter. Criteria: Ambry Variant Classification Scheme 2023. Collection method: clinical testing. Allele origin: germline.

Labcorp Genetics (formerly Invitae), Labcorp
Classification: Uncertain significance for Von Hippel-Lindau syndrome; Chuvash polycythemia. Last evaluated: 2024-08-11. Review status: criteria provided, single submitter. Criteria: Invitae Variant Classification Sherloc (09022015). Collection method: clinical testing. Allele origin: germline.
Comment: This sequence change replaces tyrosine, which is neutral and polar, with aspartic acid, which is acidic and polar, at codon 23 of the VHL protein (p.Tyr23Asp). This variant is not present in population databases (gnomAD no frequency). This variant has not been reported in the literature in individuals affected with VHL-related conditions. ClinVar contains an entry for this variant (Variation ID: 1485956). Advanced modeling of protein sequence and biophysical properties (such as structural, functional, and spatial information, amino acid conservation, physicochemical variation, residue mobility, and thermodynamic stability) performed at Invitae indicates that this missense variant is not expected to disrupt VHL protein function with a negative predictive value of 95%. In summary, the available evidence is currently insufficient to determine the role of this variant in disease. Therefore, it has been classified as a Variant of Uncertain Significance.

Fulgent Genetics
Classification: Uncertain significance for Nonpapillary renal cell carcinoma; Pheochromocytoma; Von Hippel-Lindau syndrome; Chuvash polycythemia. Last evaluated: 2024-03-28. Review status: criteria provided, single submitter. Criteria: ACMG Guidelines, 2015. Collection method: clinical testing. Allele origin: germline.

NM_000551.4(VHL):c.67T>G (p.Tyr23Asp)

Gene: VHL (von Hippel-Lindau tumor suppressor; plus strand). Cytogenetic location: 3p25.3.
Variant type: single nucleotide variant.
Coding change: c.67T>G on transcript NM_000551.4 (MANE Select); coding-DNA position 67, T replaced by G.
Protein change: p.Tyr23Asp; replaces tyrosine 23 with aspartic acid.
Molecular consequence: missense variant.
Genome position (GRCh38, 1-based): chr3:10,141,914, T>G. VCF-style: chr3-10141914-T-G. GRCh37 (hg19) VCF-style: chr3-10183598-T-G.
Other names: c.67T>G (NM_000551.3); c.67T>G, p.Tyr23Asp (NM_001354723.2, NM_198156.3); short protein forms Y23D.
Identifiers: ClinVar variation 1485956 (VCV001485956.9), dbSNP rs1696118253, ClinGen allele CA351747388.
Genomic context (GRCh38, chr3:10,141,914, plus strand): 5'-CGGAGGGCGGAGAACTGGGACGAGGCCGAGGTAGGCGCGGAGGAGGCAGGCGTCGAAGAG[T>G]ACGGCCCTGAAGAAGACGGCGGGGAGGAGTCGGGCGCCGAGGAGTCCGGCCCGGAAGAGT-3'
Protein context (NP_000542.1, residues 13-33): VGAEEAGVEE[Tyr23Asp]GPEEDGGEES